The following is an entry in ClinVar:

ClinVar aggregate classification (germline): Conflicting classifications of pathogenicity. Review status: criteria provided, conflicting classifications (1 of 4 stars). 3 submissions from 3 submitters: Likely pathogenic (1); Uncertain significance (1). 1 of the submissions does not count toward it. Last evaluated 2021-08-11.

Conditions:
Muscular dystrophy-dystroglycanopathy (congenital with brain and eye anomalies), type A9. Also called: WALKER-WARBURG SYNDROME OR MUSCLE-EYE BRAIN DISEASE, DAG1-RELATED; Muscular dystrophy-dystroglycanopathy (congenital with brain and eye anomalies), type a, 9. Identifiers: Orphanet 370997, Orphanet 899, MedGen C4225291, MONDO:0014683, OMIM 616538.
Autosomal recessive limb-girdle muscular dystrophy type 2P. Also called: Limb-Girdle Muscular Dystrophy Type 9C; MUSCULAR DYSTROPHY, LIMB-GIRDLE, TYPE 2P; MUSCULAR DYSTROPHY-DYSTROGLYCANOPATHY, LIMB-GIRDLE, DAG1-RELATED. Identifiers: Orphanet 280333, MedGen C4511963, MONDO:0013440, OMIM 613818.

Submissions (3):

Revvity Omics, Revvity
Classification: Likely pathogenic. Last evaluated: 2021-08-11. Review status: criteria provided, single submitter. Criteria: ACMG Guidelines, 2015. Collection method: clinical testing. Allele origin: germline.

Labcorp Genetics (formerly Invitae), Labcorp
Classification: Uncertain significance for Autosomal recessive limb-girdle muscular dystrophy type 2P; Muscular dystrophy-dystroglycanopathy (congenital with brain and eye anomalies), type A9. Last evaluated: 2019-07-01. Review status: criteria provided, single submitter. Criteria: Invitae Variant Classification Sherloc (09022015). Collection method: clinical testing. Allele origin: germline.
Comment: This sequence change replaces cysteine with phenylalanine at codon 669 of the DAG1 protein (p.Cys669Phe). The cysteine residue is highly conserved and there is a large physicochemical difference between cysteine and phenylalanine. This variant is not present in population databases (ExAC no frequency). This variant has been observed to segregate with muscle-eye-brain disease in a family (PMID: 24052401). ClinVar contains an entry for this variant (Variation ID: 208542). This variant has been reported to affect DAG1 protein function (PMID: 29134705). In summary, the available evidence is currently insufficient to determine the role of this variant in disease. Therefore, it has been classified as a Variant of Uncertain Significance.

OMIM
Classification: Pathogenic for MUSCULAR DYSTROPHY-DYSTROGLYCANOPATHY (CONGENITAL WITH BRAIN AND EYE ANOMALIES), TYPE A, 9. Last evaluated: 2013-11-01. Review status: no assertion criteria provided. Collection method: literature only. Allele origin: germline. Not counted in ClinVar's aggregate classification.

Literature cited by the submitters: PubMed 24052401 (cited by Labcorp Genetics (formerly Invitae), Labcorp and OMIM); PubMed 29134705 (cited by Labcorp Genetics (formerly Invitae), Labcorp).

NM_004393.6(DAG1):c.2006G>T (p.Cys669Phe)

Gene: DAG1 (dystroglycan 1; plus strand). Cytogenetic location: 3p21.31.
Variant type: single nucleotide variant.
Coding change: c.2006G>T on transcript NM_004393.6 (MANE Select); coding-DNA position 2006, G replaced by T.
Protein change: p.Cys669Phe; replaces cysteine 669 with phenylalanine.
Molecular consequence: missense variant.
Genome position (GRCh38, 1-based): chr3:49,532,517, G>T. VCF-style: chr3-49532517-G-T. GRCh37 (hg19) VCF-style: chr3-49569950-G-T.
Other names: c.2006G>T, p.Cys669Phe (NM_001177643.3, NM_001177644.3, NM_001177636.3 and 9 more transcripts); short protein forms C669F.
Identifiers: ClinVar variation 208542 (VCV000208542.9), dbSNP rs797045023, ClinGen allele CA204529.
Genomic context (GRCh38, chr3:49,532,517, plus strand): 5'-ATATCACCCGGGGCTCCATCGTGGTGGAATGGACCAACAACACACTGCCCTTGGAGCCCT[G>T]CCCCAAGGAGCAGATCGCTGGGCTGAGCCGCCGGATCGCTGAGGATGATGGAAAACCTCG-3'
Protein context (NP_004384.5, residues 659-679): WTNNTLPLEP[Cys669Phe]PKEQIAGLSR